The following is an entry in ClinVar:

NM_053025.4(MYLK):c.1171A>G (p.Ser391Gly)

Gene: MYLK (myosin light chain kinase; minus strand). Cytogenetic location: 3q21.1.
Variant type: single nucleotide variant.
Coding change: c.1171A>G on transcript NM_053025.4 (MANE Select); coding-DNA position 1171, A replaced by G.
Protein change: p.Ser391Gly; replaces serine 391 with glycine.
Molecular consequence: missense variant.
Genome position (GRCh38, 1-based): chr3:123,733,825, T>C on the plus strand (A>G on the coding strand, the complement: MYLK is on the minus strand). VCF-style: chr3-123733825-T-C. GRCh37 (hg19) VCF-style: chr3-123452672-T-C.
Other names: c.643A>G, p.Ser215Gly (NM_001321309.2); c.1171A>G, p.Ser391Gly (NM_053026.4, NM_053027.4, NM_053028.4); short protein forms S215G, S391G.
Identifiers: ClinVar variation 2554617 (VCV002554617.2), dbSNP rs748583667, ClinGen allele CA066766.

ClinVar aggregate classification (germline): Uncertain significance (1 of 4 stars; one submission).

Conditions:
Familial thoracic aortic aneurysm and aortic dissection (TAAD). Also called: Thoracic aortic aneurysms and dissections. Identifiers: Orphanet 91387, MedGen C4707243, MONDO:0019625.

Allele frequency attached by ClinVar (database versions not stated): ExAC 0.00001; TOPMed 0.00001; gnomAD exomes 0.00002.
gnomAD v4.1: 31 of 1,613,978 alleles (0.0019%); highest among the groups gnomAD compares: Non-Finnish European, 0.0026%; no homozygotes.

Submission:

Ambry Genetics
Classification: Uncertain significance for Familial thoracic aortic aneurysm and aortic dissection. Last evaluated: 2023-12-29. Review status: criteria provided, single submitter. Criteria: Ambry Variant Classification Scheme 2023. Collection method: clinical testing. Allele origin: germline.
Comment: The p.S391G variant (also known as c.1171A>G), located in coding exon 7 of the MYLK gene, results from an A to G substitution at nucleotide position 1171. The serine at codon 391 is replaced by glycine, an amino acid with similar properties. This amino acid position is conserved. In addition, this alteration is predicted to be tolerated by in silico analysis. Since supporting evidence is limited at this time, the clinical significance of this alteration remains unclear.